The following is an entry in ClinVar:

NM_001009944.3(PKD1):c.7781G>A (p.Ser2594Asn)

Gene: PKD1 (polycystin 1, transient receptor potential channel interacting; minus strand). Cytogenetic location: 16p13.3.
Variant type: single nucleotide variant.
Coding change: c.7781G>A on transcript NM_001009944.3 (MANE Select); coding-DNA position 7781, G replaced by A.
Protein change: p.Ser2594Asn; replaces serine 2594 with asparagine.
Molecular consequence: missense variant.
Genome position (GRCh38, 1-based): chr16:2,105,947, C>T on the plus strand (G>A on the coding strand, the complement: PKD1 is on the minus strand). VCF-style: chr16-2105947-C-T. GRCh37 (hg19) VCF-style: chr16-2155948-C-T.
Other names: c.7781G>A, p.Ser2594Asn (NM_000296.4); c.7781G>A (NM_000296.3); short protein forms S2594N.
Identifiers: ClinVar variation 3778068 (VCV003778068.9).

ClinVar aggregate classification (germline): Uncertain significance. Review status: criteria provided, multiple submitters, no conflicts (2 of 4 stars). 3 submissions from 3 submitters: Uncertain significance (3). Last evaluated 2026-03-11.

Conditions:
PKD1-related disorder. Also called: PKD1-related condition.
Inborn genetic diseases. Identifiers: MedGen C0950123, MeSH D030342.

gnomAD v4.1: 12 of 1,598,812 alleles (0.00075%); highest among the groups gnomAD compares: Non-Finnish European, 0.001%; no homozygotes.

Submissions (3):

PreventionGenetics, part of Exact Sciences
Classification: Uncertain significance for PKD1-related condition. Last evaluated: 2026-03-11. Review status: criteria provided, single submitter. Criteria: ACMG Guidelines, 2015. Collection method: clinical testing. Allele origin: germline.
Comment: The PKD1 c.7781G>A variant is predicted to result in the amino acid substitution p.Ser2594Asn. To our knowledge, this variant has not been reported in the literature. This variant is reported in 0.0019% of alleles in individuals of European (Non-Finnish) descent in gnomAD. At this time, the clinical significance of this variant is uncertain due to the absence of conclusive functional and genetic evidence.

Ambry Genetics
Classification: Uncertain significance for Inborn genetic diseases. Last evaluated: 2025-08-31. Review status: criteria provided, single submitter. Criteria: Ambry Variant Classification Scheme 2023. Collection method: clinical testing. Allele origin: germline.

CeGaT Center for Human Genetics Tuebingen
Classification: Uncertain significance. Last evaluated: 2025-03-01. Review status: criteria provided, single submitter. Criteria: CeGaT Center For Human Genetics Tuebingen Variant Classification Criteria Version 2. Collection method: clinical testing. Allele origin: germline. Affected: yes. Observed: 1 variant allele.
Comment: PKD1: PM2, BP4